The following is an entry in ClinVar:

ClinVar aggregate classification (germline): Uncertain significance (1 of 4 stars; one submission).

Conditions:
Werner syndrome (WRN). Identifiers: Orphanet 902, MedGen C0043119, MONDO:0010196, OMIM 277700.

Allele frequency attached by ClinVar (database versions not stated): gnomAD 0.00001; TOPMed 0.00002.

Submission:

Labcorp Genetics (formerly Invitae), Labcorp
Classification: Uncertain significance for Werner syndrome. Last evaluated: 2024-02-17. Review status: criteria provided, single submitter. Criteria: Invitae Variant Classification Sherloc (09022015). Collection method: clinical testing. Allele origin: germline.
Comment: This sequence change replaces glycine, which is neutral and non-polar, with aspartic acid, which is acidic and polar, at codon 797 of the WRN protein (p.Gly797Asp). This variant is not present in population databases (gnomAD no frequency). This variant has not been reported in the literature in individuals affected with WRN-related conditions. ClinVar contains an entry for this variant (Variation ID: 458417). An algorithm developed to predict the effect of missense changes on protein structure and function (PolyPhen-2) suggests that this variant is likely to be disruptive. In summary, the available evidence is currently insufficient to determine the role of this variant in disease. Therefore, it has been classified as a Variant of Uncertain Significance.

NM_000553.6(WRN):c.2390G>A (p.Gly797Asp)

Gene: WRN (WRN RecQ like helicase; plus strand). Cytogenetic location: 8p12.
Variant type: single nucleotide variant.
Coding change: c.2390G>A on transcript NM_000553.6 (MANE Select); coding-DNA position 2390, G replaced by A.
Protein change: p.Gly797Asp; replaces glycine 797 with aspartic acid.
Molecular consequence: missense variant.
Genome position (GRCh38, 1-based): chr8:31,116,470, G>A. VCF-style: chr8-31116470-G-A. GRCh37 (hg19) VCF-style: chr8-30973986-G-A.
Other names: short protein forms G797D.
Identifiers: ClinVar variation 458417 (VCV000458417.7), dbSNP rs1289361749, ClinGen allele CA370913781.